The following is an entry in ClinVar:

ClinVar aggregate classification (germline): Uncertain significance (1 of 4 stars; one submission).

gnomAD v4.1: 1 of 1,613,688 alleles (0.000062%); no homozygotes.

Submission:

Ambry Genetics
Classification: Uncertain significance. Last evaluated: 2022-12-14. Review status: criteria provided, single submitter. Criteria: Ambry Variant Classification Scheme 2023. Collection method: clinical testing. Allele origin: germline.
Comment: The p.Y431H variant (also known as c.1291T>C), located in coding exon 13 of the PRKDC gene, results from a T to C substitution at nucleotide position 1291. The tyrosine at codon 431 is replaced by histidine, an amino acid with similar properties. This amino acid position is conserved. In addition, this alteration is predicted to be tolerated by in silico analysis. Since supporting evidence is limited at this time, the clinical significance of this alteration remains unclear.

NM_006904.7(PRKDC):c.1291T>C (p.Tyr431His)

Gene: PRKDC (protein kinase, DNA-activated, catalytic subunit; minus strand). Cytogenetic location: 8q11.21.
Variant type: single nucleotide variant.
Coding change: c.1291T>C on transcript NM_006904.7 (MANE Select); coding-DNA position 1291, T replaced by C.
Protein change: p.Tyr431His; replaces tyrosine 431 with histidine.
Molecular consequence: missense variant.
Genome position (GRCh38, 1-based): chr8:47,935,888, A>G on the plus strand (T>C on the coding strand, the complement: PRKDC is on the minus strand). VCF-style: chr8-47935888-A-G. GRCh37 (hg19) VCF-style: chr8-48848448-A-G.
Other names: c.1291T>C, p.Tyr431His (NM_001081640.2); short protein forms Y431H.
Identifiers: ClinVar variation 2449840 (VCV002449840.2), dbSNP rs2551879573, ClinGen allele CA371165997.